The following is an entry in ClinVar:

NM_007363.5(NONO):c.75GCA[4] (p.Gln27_His28insGln)

Gene: NONO (non-POU domain containing octamer binding; plus strand). Cytogenetic location: Xq13.1.
Variant type: Microsatellite.
Coding change: c.75GCA[4] on transcript NM_007363.5 (MANE Select); four copies in a row of the 3-base unit GCA starting at c.75; the reference has three copies in a row; one copy, 3 bases duplicated.
Protein change: p.Gln27_His28insGln.
Molecular consequence: inframe insertion. On other transcripts: intron variant (1).
Genome position (GRCh38, 1-based): chrX:71,290,718-71,290,720, GCA duplicated; duplicating any 3 consecutive bases within chrX:71,290,710-71,290,720 gives the same sequence; the position shown is the placement nearest the transcript's 3' end. VCF-style (leftmost placement, unchanged base first): chrX-71290709-C-CCAG. GRCh37 (hg19) VCF-style: chrX-70510559-C-CCAG.
Other names: c.75GCA[4], p.Gln27_His28insGln (NM_001145408.2, NM_001145409.2); c.-113-1069CAG[4] (NM_001145410.2).
Identifiers: ClinVar variation 2499270 (VCV002499270.1), dbSNP rs749813819, ClinGen allele CA10446038.

ClinVar aggregate classification (germline): Uncertain significance (1 of 4 stars; one submission).

Submission:

GeneDx
Classification: Uncertain significance. Last evaluated: 2022-10-13. Review status: criteria provided, single submitter. Criteria: GeneDx Variant Classification Process June 2021. Collection method: clinical testing. Allele origin: germline. Affected: yes.
Comment: Not observed at significant frequency in large population cohorts (gnomAD); In-frame insertion of 1 amino acid in a non-repeat region; In silico analysis supports that this variant does not alter protein structure/function; Has not been previously published as pathogenic or benign to our knowledge